The following is an entry in ClinVar:

NM_003923.3(FOXH1):c.89G>A (p.Arg30Gln)

Gene: FOXH1 (forkhead box H1; minus strand). Cytogenetic location: 8q24.3.
Variant type: single nucleotide variant.
Coding change: c.89G>A on transcript NM_003923.3 (MANE Select); coding-DNA position 89, G replaced by A.
Protein change: p.Arg30Gln; replaces arginine 30 with glutamine.
Molecular consequence: missense variant.
Genome position (GRCh38, 1-based): chr8:144,475,668, C>T on the plus strand (G>A on the coding strand, the complement: FOXH1 is on the minus strand). VCF-style: chr8-144475668-C-T. GRCh37 (hg19) VCF-style: chr8-145701051-C-T.
Other names: short protein forms R30Q.
Identifiers: ClinVar variation 2631085 (VCV002631085.3), dbSNP rs1825128414, ClinGen allele CA372726178.

ClinVar aggregate classification (germline): Uncertain significance. Review status: criteria provided, multiple submitters, no conflicts (2 of 4 stars). 2 submissions from 2 submitters: Uncertain significance (2). Last evaluated 2023-08-25.

Conditions:
FOXH1-related disorder. Also called: FOXH1-related condition.

Allele frequency attached by ClinVar (database versions not stated): gnomAD exomes below 0.00001; gnomAD 0.00001; TOPMed 0.00001.
gnomAD v4.1: 2 of 1,421,314 alleles (0.00014%); highest among the groups gnomAD compares: African/African-American, 0.0014%; no homozygotes.

Submissions (2):

PreventionGenetics, part of Exact Sciences
Classification: Uncertain significance for FOXH1-related condition. Last evaluated: 2023-08-25. Review status: criteria provided, single submitter. Criteria: ACMG Guidelines, 2015. Collection method: clinical testing. Allele origin: germline.
Comment: The FOXH1 c.89G>A variant is predicted to result in the amino acid substitution p.Arg30Gln. To our knowledge, this variant has not been reported in the literature or in a large population database, indicating this variant is rare. At this time, the clinical significance of this variant is uncertain due to the absence of conclusive functional and genetic evidence.

Revvity Omics, Revvity
Classification: Uncertain significance. Last evaluated: 2020-04-08. Review status: criteria provided, single submitter. Criteria: ACMG Guidelines, 2015. Collection method: clinical testing. Allele origin: germline.